The following is an entry in ClinVar:

ClinVar aggregate classification (germline): Uncertain significance. Review status: criteria provided, multiple submitters, no conflicts (2 of 4 stars). 2 submissions from 2 submitters: Uncertain significance (2). Last evaluated 2024-08-27.

Conditions:
Inborn genetic diseases. Identifiers: MedGen C0950123, MeSH D030342.

Allele frequency attached by ClinVar (database versions not stated): gnomAD exomes below 0.00001 and 0.00004; gnomAD 0.00002; TOPMed 0.00002.
gnomAD v4.1: 57 of 1,613,042 alleles (0.0035%); highest among the groups gnomAD compares: Non-Finnish European, 0.0047%; no homozygotes.

Submissions (2):

Ambry Genetics
Classification: Uncertain significance for Inborn genetic diseases. Last evaluated: 2024-08-27. Review status: criteria provided, single submitter. Criteria: Ambry Variant Classification Scheme 2023. Collection method: clinical testing. Allele origin: germline.

Labcorp Genetics (formerly Invitae), Labcorp
Classification: Uncertain significance. Last evaluated: 2022-03-17. Review status: criteria provided, single submitter. Criteria: Invitae Variant Classification Sherloc (09022015). Collection method: clinical testing. Allele origin: germline.
Comment: This sequence change replaces isoleucine, which is neutral and non-polar, with valine, which is neutral and non-polar, at codon 382 of the ADAMTS10 protein (p.Ile382Val). This variant is present in population databases (no rsID available, gnomAD 0.004%). This variant has not been reported in the literature in individuals affected with ADAMTS10-related conditions. Algorithms developed to predict the effect of missense changes on protein structure and function are either unavailable or do not agree on the potential impact of this missense change (SIFT: "Tolerated"; PolyPhen-2: "Possibly Damaging"; Align-GVGD: "Class C0"). In summary, the available evidence is currently insufficient to determine the role of this variant in disease. Therefore, it has been classified as a Variant of Uncertain Significance.

NM_030957.4(ADAMTS10):c.1144A>G (p.Ile382Val)

Gene: ADAMTS10 (ADAM metallopeptidase with thrombospondin type 1 motif 10; minus strand). Cytogenetic location: 19p13.2.
Variant type: single nucleotide variant.
Coding change: c.1144A>G on transcript NM_030957.4 (MANE Select); coding-DNA position 1144, A replaced by G.
Protein change: p.Ile382Val; replaces isoleucine 382 with valine.
Molecular consequence: missense variant.
Genome position (GRCh38, 1-based): chr19:8,596,353, T>C on the plus strand (A>G on the coding strand, the complement: ADAMTS10 is on the minus strand). VCF-style: chr19-8596353-T-C. GRCh37 (hg19) VCF-style: chr19-8661237-T-C.
Other names: c.1144A>G (NM_030957.2); short protein forms I382V.
Identifiers: ClinVar variation 1504516 (VCV001504516.4), dbSNP rs931211312, ClinGen allele CA305001719.
Genomic context (GRCh38, chr19:8,596,353, plus strand): 5'-TGCCCTGGCCTCACGTGTGCCCGATCTCGTGGGCAATGGTGAACGCTGTGGCCAGGCCAA[T>C]GTCCTCATTGACGCTGCAGCTTCTCTCGCGCTCACACATTCCGCCCACCGGGGCCAGGCC-3'
Protein context (NP_112219.3, residues 372-392): RERSCSVNED[Ile382Val]GLATAFTIAH